The following is an entry in ClinVar:

NM_000018.4(ACADVL):c.889G>A (p.Glu297Lys)

Gene: ACADVL (acyl-CoA dehydrogenase very long chain; plus strand). Cytogenetic location: 17p13.1.
Variant type: single nucleotide variant.
Coding change: c.889G>A on transcript NM_000018.4 (MANE Select); coding-DNA position 889, G replaced by A.
Protein change: p.Glu297Lys; replaces glutamic acid 297 with lysine.
Molecular consequence: missense variant.
Genome position (GRCh38, 1-based): chr17:7,222,677, G>A. VCF-style: chr17-7222677-G-A. GRCh37 (hg19) VCF-style: chr17-7125996-G-A.
Other names: c.823G>A, p.Glu275Lys (NM_001033859.3); c.958G>A, p.Glu320Lys (NM_001270447.2); c.661G>A, p.Glu221Lys (NM_001270448.2); short protein forms E221K, E297K, E320K, E275K.
Identifiers: ClinVar variation 932758 (VCV000932758.2), dbSNP rs2071287310, ClinGen allele CA397723906.

ClinVar aggregate classification (germline): Uncertain significance (1 of 4 stars; one submission).

Conditions:
Very long chain acyl-CoA dehydrogenase deficiency (ACADVLD). Also called: Very Long-Chain Acyl-Coenzyme A Dehydrogenase Deficiency; VLCAD Deficiency. Identifiers: Orphanet 26793, MedGen C3887523, MONDO:0008723, OMIM 201475.

Submission:

Wong Mito Lab, Molecular and Human Genetics, Baylor College of Medicine
Classification: Uncertain significance for Very long chain acyl-CoA dehydrogenase deficiency. Last evaluated: 2019-11-01. Review status: criteria provided, single submitter. Criteria: ACMG Guidelines, 2015. Collection method: clinical testing. Allele origin: germline.
Comment: The NM_000018.3:c.889G>A (NP_000009.1:p.Glu297Lys) [GRCH38: NC_000017.11:g.7222677G>A] variant in ACADVL gene is interpretated to be Uncertain Significance based on ACMG guidelines (PMID: 25741868). This variant has been reported. This variant meets the following evidence codes reported in the ACMG guidelines: PM1, PP3